The following is an entry in ClinVar:

ClinVar aggregate classification (germline): Uncertain significance. Review status: criteria provided, multiple submitters, no conflicts (2 of 4 stars). 2 submissions from 2 submitters: Uncertain significance (2). Last evaluated 2025-08-20.

Conditions:
Inborn genetic diseases. Identifiers: MedGen C0950123, MeSH D030342.

gnomAD v4.1: 46 of 1,614,012 alleles (0.0029%); highest among the groups gnomAD compares: Non-Finnish European, 0.0036%; no homozygotes.

Submissions (2):

Mayo Clinic Laboratories, Mayo Clinic
Classification: Uncertain significance. Last evaluated: 2025-08-20. Review status: criteria provided, single submitter. Criteria: ACMG Guidelines, 2015. Collection method: clinical testing. Allele origin: germline. Observed: 1 variant allele.
Comment: BP4, PM2_supporting

Ambry Genetics
Classification: Uncertain significance for Inborn genetic diseases. Last evaluated: 2024-12-31. Review status: criteria provided, single submitter. Criteria: Ambry Variant Classification Scheme 2023. Collection method: clinical testing. Allele origin: germline.

NM_017415.3(KLHL3):c.56A>T (p.Asp19Val)

Gene: KLHL3 (kelch like family member 3; minus strand). Cytogenetic location: 5q31.2.
Variant type: single nucleotide variant.
Coding change: c.56A>T on transcript NM_017415.3 (MANE Select); coding-DNA position 56, A replaced by T.
Protein change: p.Asp19Val; replaces aspartic acid 19 with valine.
Molecular consequence: missense variant. On other transcripts: 5 prime UTR variant (1).
Genome position (GRCh38, 1-based): chr5:137,720,543, T>A on the plus strand (A>T on the coding strand, the complement: KLHL3 is on the minus strand). VCF-style: chr5-137720543-T-A. GRCh37 (hg19) VCF-style: chr5-137056232-T-A.
Other names: p.Asp19Val; c.-41A>T (NM_001257194.1); short protein forms D19V.
Identifiers: ClinVar variation 3864878 (VCV003864878.2).